The following is an entry in ClinVar:

NM_000384.3(APOB):c.2411G>A (p.Arg804His)

Gene: APOB (apolipoprotein B; minus strand). Cytogenetic location: 2p24.1.
Variant type: single nucleotide variant.
Coding change: c.2411G>A on transcript NM_000384.3 (MANE Select); coding-DNA position 2411, G replaced by A.
Protein change: p.Arg804His; replaces arginine 804 with histidine.
Molecular consequence: missense variant.
Genome position (GRCh38, 1-based): chr2:21,024,958, C>T on the plus strand (G>A on the coding strand, the complement: APOB is on the minus strand). VCF-style: chr2-21024958-C-T. GRCh37 (hg19) VCF-style: chr2-21247830-C-T.
Other names: p.Arg804His; short protein forms R804H.
Identifiers: ClinVar variation 697731 (VCV000697731.19), dbSNP rs148190577, ClinGen allele CA056138.
Genomic context (GRCh38, chr2:21,024,958, plus strand): 5'-GTCTCATGGGCCCCCAGTGGGGCCTGCTGACTTACCATCTGGGGGATCCCCTGCAGAGTG[C>T]GGGCACCCATCAGAAGCAGCTTTCCCAGGAGCTGGAGGTCATGGAGACTGGCAAAACCAA-3'
Protein context (NP_000375.3, residues 794-814): LLGKLLLMGA[Arg804His]TLQGIPQMIG

ClinVar aggregate classification (germline): Conflicting classifications of pathogenicity. Review status: criteria provided, conflicting classifications (1 of 4 stars). 6 submissions from 6 submitters: Uncertain significance (4); Benign (1); Likely benign (1). Last evaluated 2026-06-16.

Conditions:
Cardiovascular phenotype. Identifiers: MedGen CN230736.
Familial hypercholesterolemia. Also called: Familial hypercholesterolaemia; Familial hypercholesterolemias. Identifiers: MedGen C0020445, MONDO:0005439.
Familial hypobetalipoproteinemia 1. Also called: APOB-Related Familial Hypobetalipoproteinemia; Hypobetalipoproteinemia, normotriglyceridemic; Acanthocytosis with hypobetalipoproteinemia. Identifiers: MedGen C4551990, MONDO:0014252, OMIM 615558.
Hypercholesterolemia, autosomal dominant, type B (FHCL2). Also called: HYPERCHOLESTEROLEMIA, FAMILIAL, DUE TO LIGAND-DEFECTIVE APOLIPOPROTEIN B; Hyperlipoproteinemia Type IIb; Familial Hypercholesterolemia Type B; Familial hypercholesterolemia 2; APOLIPOPROTEIN B-100, FAMILIAL DEFECTIVE; APOLIPOPROTEIN B-100, FAMILIAL LIGAND-DEFECTIVE. Identifiers: MedGen C1704417, MONDO:0007751, OMIM 144010.

Allele frequency attached by ClinVar (database versions not stated): ExAC 0.00012; gnomAD 0.00028 and 0.00031; TOPMed 0.00028; 1000 Genomes Project 30x 0.00047; 1000 Genomes Project 0.00040; ESP Exome Variant Server 0.00062; gnomAD exomes 0.00009 and 0.00011.
gnomAD v4.1: 171 of 1,614,094 alleles (0.011%); highest among the groups gnomAD compares: Middle Eastern, 0.16%; no homozygotes.

Submissions (6):

Cambridge Genomics Laboratory, East Genomic Laboratory Hub, NHS Genomic Medicine Service
Classification: Uncertain significance for Familial hypercholesterolaemia. Last evaluated: 2026-06-16. Review status: criteria provided, single submitter. Criteria: ACGS Best Practice Guidelines for Variant Classification in Rare Disease 2020. Collection method: clinical testing. Allele origin: germline. Affected: yes.

Labcorp Genetics (formerly Invitae), Labcorp
Classification: Likely benign for Familial hypobetalipoproteinemia 1; Hypercholesterolemia, autosomal dominant, type B. Last evaluated: 2025-12-24. Review status: criteria provided, single submitter. Criteria: Invitae Variant Classification Sherloc (09022015). Collection method: clinical testing. Allele origin: germline.

Ambry Genetics
Classification: Benign for Cardiovascular phenotype. Last evaluated: 2025-07-17. Review status: criteria provided, single submitter. Criteria: Ambry Variant Classification Scheme 2023. Collection method: clinical testing. Allele origin: germline.

GeneDx
Classification: Uncertain significance. Last evaluated: 2025-02-27. Review status: criteria provided, single submitter. Criteria: GeneDx Variant Classification Process June 2021. Collection method: clinical testing. Allele origin: germline.
Comment: Has not been previously published as pathogenic or benign to our knowledge; In silico analysis indicates that this missense variant does not alter protein structure/function; Also known as p.(R777H)

Mayo Clinic Laboratories, Mayo Clinic
Classification: Uncertain significance. Last evaluated: 2024-08-02. Review status: criteria provided, single submitter. Criteria: ACMG Guidelines, 2015. Collection method: clinical testing. Allele origin: germline. Observed: 1 variant allele.
Comment: BP4

Quest Diagnostics Nichols Institute San Juan Capistrano
Classification: Uncertain significance. Last evaluated: 2024-07-26. Review status: criteria provided, single submitter. Criteria: Quest Diagnostics criteria. Collection method: clinical testing. Allele origin: unknown.
Comment: The APOB c.2411G>A (p.Arg804His) variant has not been reported in individuals with APOB-related conditions in the published literature. The frequency of this variant in the general population, 0.00092 (23/24966 chromosomes in African/African American subpopulation (Genome Aggregation Database)), is higher than would generally be expected for pathogenic variants in this gene. Analysis of this variant using bioinformatics tools for the prediction of the effect of amino acid changes on protein structure and function yielded predictions that this variant is benign. Based on the available information, we are unable to determine the clinical significance of this variant.

Literature cited by the submitters: PubMed 24719370 (cited by Mayo Clinic Laboratories, Mayo Clinic).